The following is an entry in ClinVar:

NM_003072.5(SMARCA4):c.1271T>C (p.Met424Thr)

Gene: SMARCA4 (SWI/SNF related BAF chromatin remodeling complex subunit ATPase 4; plus strand). Cytogenetic location: 19p13.2.
Variant type: single nucleotide variant.
Coding change: c.1271T>C on transcript NM_003072.5 (MANE Select); coding-DNA position 1271, T replaced by C.
Protein change: p.Met424Thr; replaces methionine 424 with threonine.
Molecular consequence: missense variant. On other transcripts: non-coding transcript variant (1).
Genome position (GRCh38, 1-based): chr19:10,991,175, T>C. VCF-style: chr19-10991175-T-C. GRCh37 (hg19) VCF-style: chr19-11101851-T-C.
Other names: c.1271T>C, p.Met424Thr (NM_001387283.1, NM_001411150.1, NM_001128844.3 and 6 more transcripts); short protein forms M424T.
Identifiers: ClinVar variation 5029846 (VCV005029846.1).

ClinVar aggregate classification (germline): Uncertain significance (1 of 4 stars; one submission).

Conditions:
Hereditary cancer-predisposing syndrome. Also called: Neoplastic Syndromes, Hereditary; Tumor predisposition; Hereditary neoplastic syndrome; Hereditary Cancer Syndrome. Identifiers: Orphanet 140162, MedGen C0027672, MeSH D009386, MONDO:0015356.

Submission:

Ambry Genetics
Classification: Uncertain significance for Hereditary cancer-predisposing syndrome. Last evaluated: 2026-07-07. Review status: criteria provided, single submitter. Criteria: Ambry Variant Classification Scheme 2023. Collection method: clinical testing. Allele origin: germline.
Comment: The p.M424T variant (also known as c.1271T>C), located in coding exon 7 of the SMARCA4 gene, results from a T to C substitution at nucleotide position 1271. The methionine at codon 424 is replaced by threonine, an amino acid with similar properties. This amino acid position is conserved. In addition, the in silico prediction for this alteration is inconclusive. Based on the available evidence, the clinical significance of this variant remains unclear.